The following is an entry in ClinVar:

ClinVar aggregate classification (germline): Uncertain significance (1 of 4 stars; one submission).

Conditions:
Hereditary cancer-predisposing syndrome. Also called: Neoplastic Syndromes, Hereditary; Tumor predisposition; Hereditary neoplastic syndrome; Hereditary Cancer Syndrome. Identifiers: Orphanet 140162, MedGen C0027672, MeSH D009386, MONDO:0015356.

Submission:

Academic Department of Medical Genetics, University of Cambridge
Classification: Uncertain significance for Hereditary cancer-predisposing syndrome. Last evaluated: 2018-01-26. Review status: criteria provided, single submitter. Criteria: Whitworth J et al. (Am J Hum Genet 2018). Collection method: research. Allele origin: germline. Affected: yes. Observed: 1 heterozygote.
Comment: Identified as part of research study of individuals with multiple primary tumours referred for genetic assessment

Single allele

Gene: TSC1 (TSC complex subunit 1; minus strand). Cytogenetic location: 9q34.13.
Variant type: Tandem duplication.
Identifiers: ClinVar variation 689362 (VCV000689362.1).